The following is an entry in ClinVar:

ClinVar aggregate classification (germline): Likely pathogenic. Review status: criteria provided, multiple submitters, no conflicts (2 of 4 stars). 2 submissions from 2 submitters: Likely pathogenic (2). Last evaluated 2025-01-21.

Conditions:
Short stature, rhizomelic, with microcephaly, micrognathia, and developmental delay (SSMG). Also called: SHORT STATURE-MICROGNATHIA SYNDROME. Identifiers: Orphanet 659702, MedGen C4310686, MONDO:0014948, OMIM 617164.

Submissions (2):

GeneDx
Classification: Likely pathogenic. Last evaluated: 2025-01-21. Review status: criteria provided, single submitter. Criteria: GeneDx Variant Classification Process June 2021. Collection method: clinical testing. Allele origin: germline. Affected: yes.
Comment: In-frame deletion of one amino acid in a non-repeat region; In silico analysis supports a deleterious effect on protein structure/function; This variant is associated with the following publications: (PMID: 35719373)

3billion
Classification: Likely pathogenic for Short stature, rhizomelic, with microcephaly, micrognathia, and developmental delay. Last evaluated: 2021-10-02. Review status: criteria provided, single submitter. Criteria: ACMG Guidelines, 2015. Collection method: clinical testing. Allele origin: germline. Affected: yes. Observed: 1 heterozygote.
Comment: Inframe deletion located in a nonrepeat region: predicted to change the length of the protein and disrupt normal protein function. It is not observed in the gnomAD v2.1.1 dataset (PM2). The variant was observed as assumed (i.e. paternity and maternity not confirmed) de novoo (3billion dataset, PM6). Patient's phenotype is considered compatible with Short stature, rhizomelic, with microcephaly, micrognathia, and developmental delay (3billion dataset, PP4). Therefore, this variant is classified as likely pathogenic according to the recommendation of ACMG/AMP guideline.

NM_001655.5(ARCN1):c.231AGA[1] (p.Glu78del)

Gene: ARCN1 (archain 1 coat protein complex I subunit delta; plus strand). Cytogenetic location: 11q23.3.
Variant type: Microsatellite.
Coding change: c.231AGA[1] on transcript NM_001655.5 (MANE Select); one copy of the 3-base unit AGA starting at c.231; the reference has two copies in a row; one copy, 3 bases deleted.
Protein change: p.Glu78del; deletes glutamic acid 78.
Molecular consequence: inframe deletion. On other transcripts: intron variant (1).
Genome position (GRCh38, 1-based): chr11:118,581,476-118,581,478, AGA deleted; deleting any 3 consecutive bases within chr11:118,581,473-118,581,478 gives the same sequence; the position shown is the placement nearest the transcript's 3' end. VCF-style (leftmost placement, unchanged base first): chr11-118581472-TAGA-T. GRCh37 (hg19) VCF-style: chr11-118452187-TAGA-T.
Other names: c.4-1703_4-1701del (NM_001142281.2); short protein forms E78del.
Identifiers: ClinVar variation 1320069 (VCV001320069.2), dbSNP rs2135539546, ClinGen allele CA2580615095.